The following is an entry in ClinVar:

NM_001042492.3(NF1):c.4110+4T>A

Gene: NF1 (neurofibromin 1; plus strand). Cytogenetic location: 17q11.2.
Variant type: single nucleotide variant.
Coding change: c.4110+4T>A on transcript NM_001042492.3 (MANE Select); 4 bases into the intron after coding-DNA position 4110, T replaced by A.
Molecular consequence: intron variant.
Genome position (GRCh38, 1-based): chr17:31,249,123, T>A. VCF-style: chr17-31249123-T-A. GRCh37 (hg19) VCF-style: chr17-29576141-T-A.
Other names: c.4110+4T>A (NM_000267.4).
Identifiers: ClinVar variation 1320996 (VCV001320996.9), dbSNP rs587781700, ClinGen allele CA2573054385.

ClinVar aggregate classification (germline): Uncertain significance. Review status: criteria provided, multiple submitters, no conflicts (2 of 4 stars). 3 submissions from 3 submitters: Uncertain significance (3). Last evaluated 2022-08-23.

Conditions:
Hereditary cancer-predisposing syndrome. Also called: Neoplastic Syndromes, Hereditary; Hereditary Cancer Syndrome; Tumor predisposition; Hereditary neoplastic syndrome. Identifiers: Orphanet 140162, MedGen C0027672, MeSH D009386, MONDO:0015356.
Cardiovascular phenotype. Identifiers: MedGen CN230736.
Neurofibromatosis, type 1 (NF1). Also called: NEUROFIBROMATOSIS, TYPE I, SOMATIC; Peripheral type neurofibromatosis; Neurofibromatosis, type I; VON RECKLINGHAUSEN DISEASE. Identifiers: Orphanet 636, MedGen C0027831, MONDO:0018975, OMIM 162200. Disease mechanism: loss of function.

Submissions (3):

Labcorp Genetics (formerly Invitae), Labcorp
Classification: Uncertain significance for Neurofibromatosis, type 1. Last evaluated: 2022-08-23. Review status: criteria provided, single submitter. Criteria: Invitae Variant Classification Sherloc (09022015). Collection method: clinical testing. Allele origin: germline.
Comment: In summary, the available evidence is currently insufficient to determine the role of this variant in disease. Therefore, it has been classified as a Variant of Uncertain Significance. Variants that disrupt the consensus splice site are a relatively common cause of aberrant splicing (PMID: 17576681, 9536098). Algorithms developed to predict the effect of sequence changes on RNA splicing suggest that this variant is not likely to affect RNA splicing. ClinVar contains an entry for this variant (Variation ID: 1320996). This variant has not been reported in the literature in individuals affected with NF1-related conditions. This variant is not present in population databases (gnomAD no frequency). This sequence change falls in intron 30 of the NF1 gene. It does not directly change the encoded amino acid sequence of the NF1 protein. It affects a nucleotide within the consensus splice site.

Ambry Genetics
Classification: Uncertain significance for Cardiovascular phenotype; Hereditary cancer-predisposing syndrome. Last evaluated: 2022-08-18. Review status: criteria provided, single submitter. Criteria: Ambry Variant Classification Scheme 2023. Collection method: clinical testing. Allele origin: germline.
Comment: The c.4110+4T>A intronic variant results from a T to A substitution 4 nucleotides after coding exon 30 in the NF1 gene. This nucleotide position is well conserved in available vertebrate species. In silico splice site analysis predicts that this alteration will not have any significant effect on splicing. Since supporting evidence is limited at this time, the clinical significance of this alteration remains unclear.

GeneDx
Classification: Uncertain significance. Last evaluated: 2022-04-05. Review status: criteria provided, single submitter. Criteria: GeneDx Variant Classification Process June 2021. Collection method: clinical testing. Allele origin: germline. Affected: yes.
Comment: Not observed at significant frequency in large population cohorts (gnomAD); In silico analysis supports that this variant does not alter splicing; Has not been previously published as pathogenic or benign to our knowledge

Literature cited by the submitters: PubMed 17576681 (cited by Labcorp Genetics (formerly Invitae), Labcorp); PubMed 9536098 (cited by Labcorp Genetics (formerly Invitae), Labcorp).